The following is an entry in ClinVar:

NM_000133.4(F9):c.980T>C (p.Leu327Pro)

Gene: F9 (coagulation factor IX; plus strand). Cytogenetic location: Xq27.1.
Variant type: single nucleotide variant.
Coding change: c.980T>C on transcript NM_000133.4 (MANE Select); coding-DNA position 980, T replaced by C.
Protein change: p.Leu327Pro; replaces leucine 327 with proline.
Molecular consequence: missense variant.
Genome position (GRCh38, 1-based): chrX:139,561,665, T>C. VCF-style: chrX-139561665-T-C. GRCh37 (hg19) VCF-style: chrX-138643824-T-C.
Other names: c.866T>C, p.Leu289Pro (NM_001313913.2); short protein forms L289P, L327P.
Identifiers: ClinVar variation 1879774 (VCV001879774.29), dbSNP rs2520844382, ClinGen allele CA414445178.

ClinVar aggregate classification (germline): Uncertain significance (1 of 4 stars; one submission).

Submission:

CeGaT Center for Human Genetics Tuebingen
Classification: Uncertain significance. Last evaluated: 2023-04-01. Review status: criteria provided, single submitter. Criteria: CeGaT Center For Human Genetics Tuebingen Variant Classification Criteria Version 2. Collection method: clinical testing. Allele origin: germline. Affected: yes. Observed: 2 variant alleles.
Comment: F9: PM1, PM2